The following is an entry in ClinVar:

NM_024675.4(PALB2):c.448C>A (p.Gln150Lys)

Gene: PALB2 (partner and localizer of BRCA2; minus strand). Cytogenetic location: 16p12.2.
Variant type: single nucleotide variant.
Coding change: c.448C>A on transcript NM_024675.4 (MANE Select); coding-DNA position 448, C replaced by A.
Protein change: p.Gln150Lys; replaces glutamine 150 with lysine.
Molecular consequence: missense variant.
Genome position (GRCh38, 1-based): chr16:23,636,098, G>T on the plus strand (C>A on the coding strand, the complement: PALB2 is on the minus strand). VCF-style: chr16-23636098-G-T. GRCh37 (hg19) VCF-style: chr16-23647419-G-T.
Other names: c.388C>A, p.Gln130Lys (NM_001407296.1); c.448C>A, p.Gln150Lys (NM_001407297.1, NM_001407298.1, NM_001407299.1 and 3 more transcripts); c.-438C>A (NM_001407304.1, NM_001407305.1, NM_001407306.1 and 5 more transcripts); short protein forms Q130K, Q150K.
Identifiers: ClinVar variation 2015357 (VCV002015357.4), dbSNP rs1597099241, ClinGen allele CA395137233.

ClinVar aggregate classification (germline): Uncertain significance (1 of 4 stars; one submission).

Conditions:
Familial cancer of breast. Also called: Hereditary breast cancer; BREAST CANCER, FAMILIAL; hereditary breast carcinoma. Identifiers: Orphanet 227535, MedGen C0346153, MONDO:0016419, OMIM 114480. Disease mechanism: loss of function.

Submission:

Labcorp Genetics (formerly Invitae), Labcorp
Classification: Uncertain significance for Familial cancer of breast. Last evaluated: 2022-07-09. Review status: criteria provided, single submitter. Criteria: Invitae Variant Classification Sherloc (09022015). Collection method: clinical testing. Allele origin: germline.
Comment: This variant is not present in population databases (gnomAD no frequency). This sequence change replaces glutamine, which is neutral and polar, with lysine, which is basic and polar, at codon 150 of the PALB2 protein (p.Gln150Lys). This variant has not been reported in the literature in individuals affected with PALB2-related conditions. Algorithms developed to predict the effect of missense changes on protein structure and function output the following: SIFT: "Tolerated"; PolyPhen-2: "Benign"; Align-GVGD: "Class C0". The lysine amino acid residue is found in multiple mammalian species, which suggests that this missense change does not adversely affect protein function. In summary, the available evidence is currently insufficient to determine the role of this variant in disease. Therefore, it has been classified as a Variant of Uncertain Significance.